The following is an entry in ClinVar:

ClinVar aggregate classification (germline): Uncertain significance (1 of 4 stars; one submission).

gnomAD v4.1: 3 of 1,614,020 alleles (0.00019%); highest among the groups gnomAD compares: Admixed American, 0.0017%; no homozygotes.

Submission:

Labcorp Genetics (formerly Invitae), Labcorp
Classification: Uncertain significance. Last evaluated: 2024-03-28. Review status: criteria provided, single submitter. Criteria: Invitae Variant Classification Sherloc (09022015). Collection method: clinical testing. Allele origin: germline.
Comment: This sequence change replaces threonine, which is neutral and polar, with alanine, which is neutral and non-polar, at codon 2215 of the CHD8 protein (p.Thr2215Ala). This variant is present in population databases (rs772679723, gnomAD 0.003%). This variant has not been reported in the literature in individuals affected with CHD8-related conditions. Advanced modeling of protein sequence and biophysical properties (such as structural, functional, and spatial information, amino acid conservation, physicochemical variation, residue mobility, and thermodynamic stability) performed at Invitae indicates that this missense variant is not expected to disrupt CHD8 protein function with a negative predictive value of 80%. In summary, the available evidence is currently insufficient to determine the role of this variant in disease. Therefore, it has been classified as a Variant of Uncertain Significance.

NM_001170629.2(CHD8):c.6643A>G (p.Thr2215Ala)

Gene: CHD8 (chromodomain helicase DNA binding protein 8; minus strand). Cytogenetic location: 14q11.2.
Variant type: single nucleotide variant.
Coding change: c.6643A>G on transcript NM_001170629.2 (MANE Select); coding-DNA position 6643, A replaced by G.
Protein change: p.Thr2215Ala; replaces threonine 2215 with alanine.
Molecular consequence: missense variant.
Genome position (GRCh38, 1-based): chr14:21,392,635, T>C on the plus strand (A>G on the coding strand, the complement: CHD8 is on the minus strand). VCF-style: chr14-21392635-T-C. GRCh37 (hg19) VCF-style: chr14-21860794-T-C.
Other names: c.5806A>G, p.Thr1936Ala (NM_020920.4); short protein forms T1936A, T2215A.
Identifiers: ClinVar variation 3672288 (VCV003672288.2).